The following is an entry in ClinVar:

ClinVar aggregate classification (germline): Uncertain significance. Review status: criteria provided, multiple submitters, no conflicts (2 of 4 stars). 2 submissions from 2 submitters: Uncertain significance (2). Last evaluated 2025-10-01.

Conditions:
Mucolipidosis type II. Also called: Mucolipidosis 2; ML 2; Inclusion cell disease; Leroy Disease; N-acetylglucosamine 1phosphotransferase deficiency; ML disorder type 2. Identifiers: Orphanet 576, MedGen C2673377, MONDO:0009650, OMIM 252500.
Pseudo-Hurler polydystrophy. Also called: ML IIIA; Mucolipidosis III Alpha/Beta; MUCOLIPIDOSIS IIIA; Type III Mucolipidosis; ML III; ML III ALPHA/BETA. Identifiers: Orphanet 423461, Orphanet 577, MedGen C0033788, MONDO:0018931, OMIM 252600.

Allele frequency attached by ClinVar (database versions not stated): gnomAD 0.00001; TOPMed 0.00001.
gnomAD v4.1: 7 of 1,613,022 alleles (0.00043%); highest among the groups gnomAD compares: African/African-American, 0.0013%; no homozygotes.

Submissions (2):

CeGaT Center for Human Genetics Tuebingen
Classification: Uncertain significance. Last evaluated: 2025-10-01. Review status: criteria provided, single submitter. Criteria: CeGaT Center For Human Genetics Tuebingen Variant Classification Criteria Version 2. Collection method: clinical testing. Allele origin: germline. Affected: yes. Observed: 1 variant allele.
Comment: GNPTAB: PM2

Labcorp Genetics (formerly Invitae), Labcorp
Classification: Uncertain significance for Pseudo-Hurler polydystrophy; Mucolipidosis type II. Last evaluated: 2021-09-17. Review status: criteria provided, single submitter. Criteria: Invitae Variant Classification Sherloc (09022015). Collection method: clinical testing. Allele origin: germline.
Comment: This sequence change replaces valine with methionine at codon 22 of the GNPTAB protein (p.Val22Met). The valine residue is moderately conserved and there is a small physicochemical difference between valine and methionine. This variant is not present in population databases (ExAC no frequency). This variant has not been reported in the literature in individuals with GNPTAB-related conditions. Algorithms developed to predict the effect of missense changes on protein structure and function are either unavailable or do not agree on the potential impact of this missense change (SIFT: "Tolerated"; PolyPhen-2: "Benign"; Align-GVGD: "Class C0"). In summary, the available evidence is currently insufficient to determine the role of this variant in disease. Therefore, it has been classified as a Variant of Uncertain Significance.

NM_024312.5(GNPTAB):c.64G>A (p.Val22Met)

Gene: GNPTAB (N-acetylglucosamine-1-phosphate transferase subunits alpha and beta; minus strand). Cytogenetic location: 12q23.2.
Variant type: single nucleotide variant.
Coding change: c.64G>A on transcript NM_024312.5 (MANE Select); coding-DNA position 64, G replaced by A.
Protein change: p.Val22Met; replaces valine 22 with methionine.
Molecular consequence: missense variant.
Genome position (GRCh38, 1-based): chr12:101,830,612, C>T on the plus strand (G>A on the coding strand, the complement: GNPTAB is on the minus strand). VCF-style: chr12-101830612-C-T. GRCh37 (hg19) VCF-style: chr12-102224390-C-T.
Other names: short protein forms V22M.
Identifiers: ClinVar variation 1380274 (VCV001380274.11), dbSNP rs1448327145, ClinGen allele CA386486978.
Genomic context (GRCh38, chr12:101,830,612, plus strand): 5'-TACTCACCTCTCCGAACTGGAAGGCGGAGACGATGGTGACAACGACGCCCAAGAAGCACA[C>T]GTAGAGCCCATACCTGTGGGACAGGCAGGTATAGGTCTGTCTCTGCAGGAGCTTGAACAG-3'
Protein context (NP_077288.2, residues 12-32): TCLSHRYGLY[Val22Met]CFLGVVVTIV